The following is an entry in ClinVar:

NM_021830.5(TWNK):c.1590C>T (p.Asp530=)

Gene: TWNK (twinkle mtDNA helicase; plus strand). Cytogenetic location: 10q24.31.
Variant type: single nucleotide variant.
Coding change: c.1590C>T on transcript NM_021830.5 (MANE Select); coding-DNA position 1590, C replaced by T.
Protein change: p.Asp530=; no amino-acid change (aspartic acid 530 retained).
Molecular consequence: synonymous variant. On other transcripts: non-coding transcript variant (5).
Genome position (GRCh38, 1-based): chr10:100,990,541, C>T. VCF-style: chr10-100990541-C-T. GRCh37 (hg19) VCF-style: chr10-102750298-C-T.
Other names: c.1590C>T, p.Asp530= (NM_001163812.2); c.228C>T, p.Asp76= (NM_001163813.2, NM_001163814.2, NM_001368275.1).
Identifiers: ClinVar variation 1303933 (VCV001303933.2), dbSNP rs2133941470, ClinGen allele CA471185150.

ClinVar aggregate classification (germline): Uncertain significance (1 of 4 stars; one submission).

Allele frequency attached by ClinVar (database versions not stated): gnomAD exomes below 0.00001.

Submission:

GeneDx
Classification: Uncertain significance. Last evaluated: 2021-03-30. Review status: criteria provided, single submitter. Criteria: GeneDx Variant Classification Process June 2021. Collection method: clinical testing. Allele origin: germline. Affected: yes.
Comment: Has not been previously published as pathogenic or benign to our knowledge; In silico analysis supports a deleterious effect on splicing; Not observed in large population cohorts (Lek et al., 2016)